The following is an entry in ClinVar:

NM_002880.4(RAF1):c.1660C>T (p.Arg554Ter)

Gene: RAF1 (Raf-1 proto-oncogene, serine/threonine kinase; minus strand). Cytogenetic location: 3p25.2.
Variant type: single nucleotide variant.
Coding change: c.1660C>T on transcript NM_002880.4 (MANE Select); coding-DNA position 1660, C replaced by T.
Protein change: p.Arg554Ter; replaces arginine 554 with a stop codon.
Molecular consequence: nonsense. On other transcripts: non-coding transcript variant (3).
Genome position (GRCh38, 1-based): chr3:12,585,130, G>A on the plus strand (C>T on the coding strand, the complement: RAF1 is on the minus strand). VCF-style: chr3-12585130-G-A. GRCh37 (hg19) VCF-style: chr3-12626629-G-A.
Other names: c.1720C>T, p.Arg574Ter (NM_001354689.3); c.1660C>T, p.Arg554Ter (NM_001354690.3); c.1417C>T, p.Arg473Ter (NM_001354691.3, NM_001354692.3); c.1561C>T, p.Arg521Ter (NM_001354693.3); c.1477C>T, p.Arg493Ter (NM_001354694.3); c.1318C>T, p.Arg440Ter (NM_001354695.3); short protein forms R440*, R521*, R554*, R574*, R473*, R493*.
Identifiers: ClinVar variation 1044030 (VCV001044030.6), dbSNP rs925151637, ClinGen allele CA351497274.
Genomic context (GRCh38, chr3:12,585,130, plus strand): 5'-GAGGCCCAGGGGCTCCCACGAGTTGGGTCCTTTCGCACCAGCACAGACTTACCTGATCTC[G>A]GTTGTTGATGTGAGAATAAGGAAGCTCCCCCGTCATCAGTTCATACAATACGATGCCATA-3'

ClinVar aggregate classification (germline): Uncertain significance (1 of 4 stars; one submission).

Conditions:
RASopathy. Also called: rasopathies; Noonan spectrum disorder. Identifiers: Orphanet 536391, MedGen C5555857, MONDO:0021060.

gnomAD v4.1: 1 of 1,613,998 alleles (0.000062%); highest among the groups gnomAD compares: South Asian, 0.0011%; no homozygotes.

Submission:

Labcorp Genetics (formerly Invitae), Labcorp
Classification: Uncertain significance for RASopathy. Last evaluated: 2020-12-19. Review status: criteria provided, single submitter. Criteria: Invitae Variant Classification Sherloc (09022015). Collection method: clinical testing. Allele origin: germline.
Comment: This variant is not present in population databases (ExAC no frequency). In summary, the available evidence is currently insufficient to determine the role of this variant in disease. Therefore, it has been classified as a Variant of Uncertain Significance. The current clinical and genetic evidence is not sufficient to establish whether loss-of-function variants in RAF1 cause disease. This variant has not been reported in the literature in individuals with RAF1-related conditions. This sequence change creates a premature translational stop signal (p.Arg554*) in the RAF1 gene. It is expected to result in an absent or disrupted protein product.